The following is an entry in ClinVar:

ClinVar aggregate classification (germline): Uncertain significance (1 of 4 stars; one submission).

Conditions:
Hereditary cancer-predisposing syndrome. Also called: Hereditary neoplastic syndrome; Neoplastic Syndromes, Hereditary; Tumor predisposition; Hereditary Cancer Syndrome. Identifiers: Orphanet 140162, MedGen C0027672, MeSH D009386, MONDO:0015356.

Submission:

Ambry Genetics
Classification: Uncertain significance for Hereditary cancer-predisposing syndrome. Last evaluated: 2024-12-22. Review status: criteria provided, single submitter. Criteria: Ambry Variant Classification Scheme 2023. Collection method: clinical testing. Allele origin: germline.
Comment: The p.C58Y variant (also known as c.173G>A), located in coding exon 2 of the EGFR gene, results from a G to A substitution at nucleotide position 173. The cysteine at codon 58 is replaced by tyrosine, an amino acid with highly dissimilar properties. This amino acid position is conserved. In addition, this alteration is predicted to be deleterious by in silico analysis. Based on the available evidence, the clinical significance of this variant remains unclear.

NM_005228.5(EGFR):c.173G>A (p.Cys58Tyr)

Gene: EGFR (epidermal growth factor receptor; plus strand). Cytogenetic location: 7p11.2.
Variant type: single nucleotide variant.
Coding change: c.173G>A on transcript NM_005228.5 (MANE Select); coding-DNA position 173, G replaced by A.
Protein change: p.Cys58Tyr; replaces cysteine 58 with tyrosine.
Molecular consequence: missense variant. On other transcripts: intron variant (1).
Genome position (GRCh38, 1-based): chr7:55,142,370, G>A. VCF-style: chr7-55142370-G-A. GRCh37 (hg19) VCF-style: chr7-55210063-G-A.
Other names: c.173G>A, p.Cys58Tyr (NM_001346897.2, NM_001346898.2, NM_001346899.2 and 3 more transcripts); c.14G>A, p.Cys5Tyr (NM_001346900.2); c.89-13460G>A (NM_001346941.2); short protein forms C58Y, C5Y.
Identifiers: ClinVar variation 3843782 (VCV003843782.1).
Genomic context (GRCh38, chr7:55,142,370, plus strand): 5'-TCACGCAGTTGGGCACTTTTGAAGATCATTTTCTCAGCCTCCAGAGGATGTTCAATAACT[G>A]TGAGGTGGTCCTTGGGAATTTGGAAATTACCTATGTGCAGAGGAATTATGATCTTTCCTT-3'
Protein context (NP_005219.2, residues 48-68): FLSLQRMFNN[Cys58Tyr]EVVLGNLEIT